The following is an entry in ClinVar:

NM_001382391.1(CSPP1):c.2753A>G (p.Lys918Arg)

Gene: CSPP1 (centrosome and spindle pole associated protein 1; plus strand). Cytogenetic location: 8q13.2.
Variant type: single nucleotide variant.
Coding change: c.2753A>G on transcript NM_001382391.1 (MANE Select); coding-DNA position 2753, A replaced by G.
Protein change: p.Lys918Arg; replaces lysine 918 with arginine.
Molecular consequence: missense variant.
Genome position (GRCh38, 1-based): chr8:67,164,433, A>G. VCF-style: chr8-67164433-A-G. GRCh37 (hg19) VCF-style: chr8-68076668-A-G.
Other names: c.2738A>G, p.Lys913Arg (NM_024790.7); c.1703A>G, p.Lys568Arg (NM_001291339.2); c.2672A>G, p.Lys891Arg (NM_001363131.2); c.2558A>G, p.Lys853Arg (NM_001363132.2); c.2477A>G, p.Lys826Arg (NM_001363133.2); c.2819A>G, p.Lys940Arg (NM_001364869.1); c.2639A>G, p.Lys880Arg (NM_001364870.1); short protein forms K568R, K826R, K940R, K880R, K913R, K918R, K853R, K891R.
Identifiers: ClinVar variation 2105543 (VCV002105543.4), dbSNP rs2489982937, ClinGen allele CA371193265.

ClinVar aggregate classification (germline): Uncertain significance (1 of 4 stars; one submission).

Conditions:
Joubert syndrome 21 (JBTS21). Identifiers: MedGen C3810212, MONDO:0014288, OMIM 615636.

Submission:

Labcorp Genetics (formerly Invitae), Labcorp
Classification: Uncertain significance for Joubert syndrome 21. Last evaluated: 2022-03-01. Review status: criteria provided, single submitter. Criteria: Invitae Variant Classification Sherloc (09022015). Collection method: clinical testing. Allele origin: germline.
Comment: Algorithms developed to predict the effect of missense changes on protein structure and function output the following: SIFT: "Tolerated"; PolyPhen-2: "Benign"; Align-GVGD: "Class C0". The arginine amino acid residue is found in multiple mammalian species, which suggests that this missense change does not adversely affect protein function. In summary, the available evidence is currently insufficient to determine the role of this variant in disease. Therefore, it has been classified as a Variant of Uncertain Significance. This variant has not been reported in the literature in individuals affected with CSPP1-related conditions. This variant is not present in population databases (gnomAD no frequency). This sequence change replaces lysine, which is basic and polar, with arginine, which is basic and polar, at codon 913 of the CSPP1 protein (p.Lys913Arg).